The following is an entry in ClinVar:

ClinVar aggregate classification (germline): Likely benign (1 of 4 stars; one submission).

Conditions:
Hereditary cancer-predisposing syndrome. Also called: Tumor predisposition; Neoplastic Syndromes, Hereditary; Hereditary Cancer Syndrome; Hereditary neoplastic syndrome. Identifiers: Orphanet 140162, MedGen C0027672, MeSH D009386, MONDO:0015356.

Submission:

Molecular Diagnostics Laboratory, Catalan Institute of Oncology
Classification: Likely benign for Hereditary cancer-predisposing syndrome. Last evaluated: 2025-02-12. Review status: criteria provided, single submitter. Criteria: ACMG Guidelines, 2015. Collection method: clinical testing. Allele origin: germline.
Comment: BP4, BP7, PM2_Supporting DA (13/02/25): BP4 (-1) + BP7 (-1) + PM2_supporting (1) -> PPOL (-1). c.904+12_904+15del is an intronic variant further than +7 (donor) (BP7). Computational tools predict no significant impact on splicing (BP4). It is not present in the population database gnomAD v2.1.1, non cancer dataset (PM2_supporting). To our knowledge, neither relevant clinical data nor well-stablished functional studies have been reported for this variant. It has not been reported in ClinVar. Based on the currently available information, c.904+12_904+15del is classified as likely benign variant according to ACMG guidelines.

NM_058216.3(RAD51C):c.904+12_904+15del

Gene: RAD51C (RAD51 paralog C; plus strand). Cytogenetic location: 17q22.
Variant type: Deletion.
Coding change: c.904+12_904+15del on transcript NM_058216.3 (MANE Select); bases 12 to 15 of the intron after coding-DNA position 904, 4 bases deleted (ATCA; older notation c.904+12_904+15delATCA).
Molecular consequence: intron variant.
Genome position (GRCh38, 1-based): chr17:58,720,824-58,720,827, ATCA deleted; deleting any 4 consecutive bases within chr17:58,720,823-58,720,827 gives the same sequence; the c. name uses the placement nearest the transcript's 3' end. VCF-style (leftmost placement, unchanged base first): chr17-58720822-TAATC-T. GRCh37 (hg19) VCF-style: chr17-56798183-TAATC-T.
Identifiers: ClinVar variation 3891304 (VCV003891304.1).